The following is an entry in ClinVar:

ClinVar aggregate classification (germline): Uncertain significance (1 of 4 stars; one submission).

Conditions:
Spondylodysplastic Ehlers-Danlos syndrome. Identifiers: Orphanet 536471, Orphanet 75496, MedGen C5680154, MONDO:0007526.

Allele frequency attached by ClinVar (database versions not stated): gnomAD exomes 0.00004 and 0.00016; TOPMed 0.00005; gnomAD 0.00006 and 0.00017; ExAC 0.00014; 1000 Genomes Project 30x 0.00203; 1000 Genomes Project 0.00260.
gnomAD v4.1: 86 of 1,613,420 alleles (0.0053%); highest among the groups gnomAD compares: East Asian, 0.13%; no homozygotes.

Submission:

Labcorp Genetics (formerly Invitae), Labcorp
Classification: Uncertain significance for Spondylodysplastic Ehlers-Danlos syndrome. Last evaluated: 2023-10-13. Review status: criteria provided, single submitter. Criteria: Invitae Variant Classification Sherloc (09022015). Collection method: clinical testing. Allele origin: germline.
Comment: This sequence change replaces histidine, which is basic and polar, with arginine, which is basic and polar, at codon 93 of the B4GALT7 protein (p.His93Arg). This variant is present in population databases (rs370658610, gnomAD 0.2%). This variant has not been reported in the literature in individuals affected with B4GALT7-related conditions. ClinVar contains an entry for this variant (Variation ID: 1009378). Advanced modeling of protein sequence and biophysical properties (such as structural, functional, and spatial information, amino acid conservation, physicochemical variation, residue mobility, and thermodynamic stability) performed at Invitae indicates that this missense variant is not expected to disrupt B4GALT7 protein function. In summary, the available evidence is currently insufficient to determine the role of this variant in disease. Therefore, it has been classified as a Variant of Uncertain Significance.

NM_007255.3(B4GALT7):c.278A>G (p.His93Arg)

Gene: B4GALT7 (beta-1,4-galactosyltransferase 7; plus strand). Cytogenetic location: 5q35.3.
Variant type: single nucleotide variant.
Coding change: c.278A>G on transcript NM_007255.3 (MANE Select); coding-DNA position 278, A replaced by G.
Protein change: p.His93Arg; replaces histidine 93 with arginine.
Molecular consequence: missense variant.
Genome position (GRCh38, 1-based): chr5:177,604,406, A>G. VCF-style: chr5-177604406-A-G. GRCh37 (hg19) VCF-style: chr5-177031407-A-G.
Other names: short protein forms H93R.
Identifiers: ClinVar variation 1009378 (VCV001009378.7), dbSNP rs370658610, ClinGen allele CA3586433.